The following is an entry in ClinVar:

NM_004369.4(COL6A3):c.9031A>G (p.Arg3011Gly)

Gene: COL6A3 (collagen type VI alpha 3 chain; minus strand). Cytogenetic location: 2q37.3.
Variant type: single nucleotide variant.
Coding change: c.9031A>G on transcript NM_004369.4 (MANE Select); coding-DNA position 9031, A replaced by G.
Protein change: p.Arg3011Gly; replaces arginine 3011 with glycine.
Molecular consequence: missense variant.
Genome position (GRCh38, 1-based): chr2:237,334,824, T>C on the plus strand (A>G on the coding strand, the complement: COL6A3 is on the minus strand). VCF-style: chr2-237334824-T-C. GRCh37 (hg19) VCF-style: chr2-238243467-T-C.
Other names: c.7210A>G, p.Arg2404Gly (NM_057166.5); c.8413A>G, p.Arg2805Gly (NM_057167.4); short protein forms R2805G, R3011G, R2404G.
Identifiers: ClinVar variation 896062 (VCV000896062.8), dbSNP rs565996170, ClinGen allele CA2187378.

ClinVar aggregate classification (germline): Benign. Review status: criteria provided, multiple submitters, no conflicts (2 of 4 stars). 2 submissions from 2 submitters: Benign (2). Last evaluated 2025-08-01.

Conditions:
Collagen 6-related myopathy. Identifiers: MedGen CN117976, MONDO:0100225.
Bethlem myopathy 1A. Also called: MYOPATHY, BENIGN CONGENITAL, WITH CONTRACTURES; Bethlem myopathy 1; Bethlem Muscular Dystrophy. Identifiers: Orphanet 610, MedGen CN029274, MONDO:0024530, OMIM 158810.

Allele frequency attached by ClinVar (database versions not stated): TOPMed 0.00002; 1000 Genomes Project 30x 0.00078; 1000 Genomes Project 0.00080.
gnomAD v4.1: 12 of 1,614,110 alleles (0.00074%); highest among the groups gnomAD compares: East Asian, 0.027%; no homozygotes.

Submissions (2):

Labcorp Genetics (formerly Invitae), Labcorp
Classification: Benign for Bethlem myopathy 1A. Last evaluated: 2025-08-01. Review status: criteria provided, single submitter. Criteria: Invitae Variant Classification Sherloc (09022015). Collection method: clinical testing. Allele origin: germline.

Illumina Laboratory Services, Illumina
Classification: Benign for Collagen VI-related myopathy. Last evaluated: 2018-01-13. Review status: criteria provided, single submitter. Criteria: ICSL Variant Classification Criteria 13 December 2019. Collection method: clinical testing. Allele origin: germline.
Comment: This variant was observed in the ICSL laboratory as part of a predisposition screen in an ostensibly healthy population. It had not been previously curated by ICSL or reported in the Human Gene Mutation Database (HGMD: prior to June 1st, 2018), and was therefore a candidate for classification through an automated scoring system. Utilizing variant allele frequency, disease prevalence and penetrance estimates, and inheritance mode, an automated score was calculated to assess if this variant is too frequent to cause the disease. Based on the score and internal cut-off values, a variant classified as benign is not then subjected to further curation. The score for this variant resulted in a classification of benign for this disease.